The following is an entry in ClinVar:

ClinVar aggregate classification (germline): Benign (1 of 4 stars; one submission).

gnomAD v4.1: 21,507 of 1,610,874 alleles (1.3%); highest among the groups gnomAD compares: Non-Finnish European, 1.6%; 186 homozygotes.

Submissions (12):

CeGaT Center for Human Genetics Tuebingen
Classification: Benign. Last evaluated: 2026-08-01. Review status: criteria provided, single submitter. Criteria: CeGaT Center For Human Genetics Tuebingen Variant Classification Criteria Version 2. Collection method: clinical testing. Allele origin: germline. Affected: yes. Observed: 1 variant allele.
Comment: ABCC11: BS1, BS2

Dr. Peter K. Rogan Lab, Western University
No classification provided (evidence only). Condition: Melanoma. Review status: no classification provided. Collection method: in vitro. Allele origin: not applicable. Functional consequence: skipped exon. Not counted in ClinVar's aggregate classification.

Dr. Peter K. Rogan Lab, Western University
No classification provided (evidence only). Condition: Melanoma. Review status: no classification provided. Collection method: in vitro. Allele origin: not applicable. Functional consequence: skipped exon. Not counted in ClinVar's aggregate classification.

Dr. Peter K. Rogan Lab, Western University
No classification provided (evidence only). Condition: Melanoma. Review status: no classification provided. Collection method: in vitro. Allele origin: not applicable. Functional consequence: skipped exon. Not counted in ClinVar's aggregate classification.

Dr. Peter K. Rogan Lab, Western University
No classification provided (evidence only). Condition: Melanoma. Review status: no classification provided. Collection method: in vitro. Allele origin: not applicable. Functional consequence: skipped exon. Not counted in ClinVar's aggregate classification.

Dr. Peter K. Rogan Lab, Western University
No classification provided (evidence only). Condition: Thyroid cancer, nonmedullary, 1. Review status: no classification provided. Collection method: in vitro. Allele origin: not applicable. Functional consequence: skipped exon. Not counted in ClinVar's aggregate classification.

Dr. Peter K. Rogan Lab, Western University
No classification provided (evidence only). Condition: Thyroid cancer, nonmedullary, 1. Review status: no classification provided. Collection method: in vitro. Allele origin: not applicable. Functional consequence: skipped exon. Not counted in ClinVar's aggregate classification.

Dr. Peter K. Rogan Lab, Western University
No classification provided (evidence only). Condition: Hepatocellular carcinoma. Review status: no classification provided. Collection method: in vitro. Allele origin: not applicable. Functional consequence: retained intron. Not counted in ClinVar's aggregate classification.

Dr. Peter K. Rogan Lab, Western University
No classification provided (evidence only). Condition: Hepatocellular carcinoma. Review status: no classification provided. Collection method: in vitro. Allele origin: not applicable. Functional consequence: skipped exon. Not counted in ClinVar's aggregate classification.

Dr. Peter K. Rogan Lab, Western University
No classification provided (evidence only). Condition: Hepatocellular carcinoma. Review status: no classification provided. Collection method: in vitro. Allele origin: not applicable. Functional consequence: skipped exon. Not counted in ClinVar's aggregate classification.

Dr. Peter K. Rogan Lab, Western University
No classification provided (evidence only). Condition: Hepatocellular carcinoma. Review status: no classification provided. Collection method: in vitro. Allele origin: not applicable. Functional consequence: skipped exon. Not counted in ClinVar's aggregate classification.

Dr. Peter K. Rogan Lab, Western University
No classification provided (evidence only). Condition: Uveal melanoma. Review status: no classification provided. Collection method: in vitro. Allele origin: not applicable. Functional consequence: skipped exon, retained intron. Not counted in ClinVar's aggregate classification.

NM_001370497.1(ABCC11):c.3778-1G>A

Gene: ABCC11 (ATP binding cassette subfamily C member 11; minus strand). Cytogenetic location: 16q12.1.
Variant type: single nucleotide variant.
Coding change: c.3778-1G>A on transcript NM_001370497.1 (MANE Select); the canonical splice acceptor site of the intron before coding-DNA position 3778, G replaced by A.
Molecular consequence: splice acceptor variant. On other transcripts: intron variant (1).
Genome position (GRCh38, 1-based): chr16:48,170,219, C>T on the plus strand (G>A on the coding strand, the complement: ABCC11 is on the minus strand). VCF-style: chr16-48170219-C-T. GRCh37 (hg19) VCF-style: chr16-48204130-C-T.
Other names: NC_000016.9:g.48204130C>T; c.3784-1G>A (NM_001370496.1); c.3777+670G>A (NM_145186.3); c.3778-1G>A (NM_032583.4, NM_033151.4).
Identifiers: ClinVar variation 4412360 (VCV004412360.2).